The following is an entry in ClinVar:

NM_018245.3(OGDHL):c.314C>A (p.Thr105Asn)

Gene: OGDHL (oxoglutarate dehydrogenase L; minus strand). Cytogenetic location: 10q11.23.
Variant type: single nucleotide variant.
Coding change: c.314C>A on transcript NM_018245.3 (MANE Select); coding-DNA position 314, C replaced by A.
Protein change: p.Thr105Asn; replaces threonine 105 with asparagine.
Molecular consequence: missense variant. On other transcripts: 5 prime UTR variant (3), non-coding transcript variant (2), intron variant (4).
Genome position (GRCh38, 1-based): chr10:49,756,837, G>T on the plus strand (C>A on the coding strand, the complement: OGDHL is on the minus strand). VCF-style: chr10-49756837-G-T. GRCh37 (hg19) VCF-style: chr10-50964883-G-T.
Other names: c.314C>A (NM_018245.2); c.314C>A, p.Thr105Asn (NM_001347819.1, NM_001347823.1, NM_001347824.2); c.-625C>A (NM_001347821.2, NM_001347825.2); c.-613C>A (NM_001347826.1); c.-252-4097C>A (NM_001347822.1, NM_001143997.2); c.204+1552C>A (NM_001347820.1, NM_001143996.2); short protein forms T105N.
Identifiers: ClinVar variation 2640462 (VCV002640462.25), dbSNP rs142622803, ClinGen allele CA5498978.

ClinVar aggregate classification (germline): Conflicting classifications of pathogenicity. Review status: criteria provided, conflicting classifications (1 of 4 stars). 2 submissions from 2 submitters: Uncertain significance (1); Likely benign (1). Last evaluated 2024-09-11.

Conditions:
Inborn genetic diseases. Identifiers: MedGen C0950123, MeSH D030342.

Allele frequency attached by ClinVar (database versions not stated): gnomAD 0.00007; TOPMed 0.00009; ExAC 0.00012; gnomAD exomes 0.00019; ESP Exome Variant Server 0.00023.
gnomAD v4.1: 290 of 1,613,944 alleles (0.018%); highest among the groups gnomAD compares: Non-Finnish European, 0.024%; no homozygotes.

Submissions (2):

Ambry Genetics
Classification: Uncertain significance for Inborn genetic diseases. Last evaluated: 2024-09-11. Review status: criteria provided, single submitter. Criteria: Ambry Variant Classification Scheme 2023. Collection method: clinical testing. Allele origin: germline.

CeGaT Center for Human Genetics Tuebingen
Classification: Likely benign. Last evaluated: 2023-02-01. Review status: criteria provided, single submitter. Criteria: CeGaT Center For Human Genetics Tuebingen Variant Classification Criteria Version 2. Collection method: clinical testing. Allele origin: germline. Affected: yes. Observed: 2 variant alleles.
Comment: OGDHL: BP4